The following is an entry in ClinVar:

ClinVar aggregate classification (germline): Uncertain significance. Review status: criteria provided, multiple submitters, no conflicts (2 of 4 stars). 2 submissions from 2 submitters: Uncertain significance (2). Last evaluated 2026-01-17.

Conditions:
Cardiovascular phenotype. Identifiers: MedGen CN230736.

Allele frequency attached by ClinVar (database versions not stated): ExAC 0.00001.
gnomAD v4.1: 2 of 1,614,186 alleles (0.00012%); highest among the groups gnomAD compares: Non-Finnish European, 0.00017%; no homozygotes.

Submissions (2):

Ambry Genetics
Classification: Uncertain significance for Cardiovascular phenotype. Last evaluated: 2026-01-17. Review status: criteria provided, single submitter. Criteria: Ambry Variant Classification Scheme 2023. Collection method: clinical testing. Allele origin: germline.
Comment: The p.C120Y variant (also known as c.359G>A), located in coding exon 3 of the CSRP3 gene, results from a G to A substitution at nucleotide position 359. The cysteine at codon 120 is replaced by tyrosine, an amino acid with highly dissimilar properties. This amino acid position is conserved. In addition, this alteration is predicted to be deleterious by in silico analysis. Based on the available evidence, the clinical significance of this variant remains unclear.

GeneDx
Classification: Uncertain significance. Last evaluated: 2022-07-14. Review status: criteria provided, single submitter. Criteria: GeneDx Variant Classification Process June 2021. Collection method: clinical testing. Allele origin: germline. Affected: yes.
Comment: Not observed at significant frequency in large population cohorts (gnomAD); In silico analysis supports that this missense variant has a deleterious effect on protein structure/function; Has not been previously published as pathogenic or benign to our knowledge

NM_003476.5(CSRP3):c.359G>A (p.Cys120Tyr)

Gene: CSRP3 (cysteine and glycine rich protein 3; minus strand). Cytogenetic location: 11p15.1.
Variant type: single nucleotide variant.
Coding change: c.359G>A on transcript NM_003476.5 (MANE Select); coding-DNA position 359, G replaced by A.
Protein change: p.Cys120Tyr; replaces cysteine 120 with tyrosine.
Molecular consequence: missense variant.
Genome position (GRCh38, 1-based): chr11:19,186,271, C>T on the plus strand (G>A on the coding strand, the complement: CSRP3 is on the minus strand). VCF-style: chr11-19186271-C-T. GRCh37 (hg19) VCF-style: chr11-19207818-C-T.
Other names: c.359G>A, p.Cys120Tyr (NM_001127656.1); c.190G>A, p.Ala64Thr (NM_001369404.1); short protein forms A64T, C120Y.
Identifiers: ClinVar variation 1878935 (VCV001878935.2), dbSNP rs765507249, ClinGen allele CA5916563.
Genomic context (GRCh38, chr11:19,186,271, plus strand): 5'-CTTACCTTGCCACCTCCCATAACCTTCTCAGCAGCATAGACTGACTTGCCACATCGAGGG[C>T]ACTTCTCGGACTCTCCAAACTTCGCAGTGAATTTGGAAGGGTTGCTGGTGGTAACTGAGC-3'
Protein context (NP_003467.1, residues 110-130): FTAKFGESEK[Cys120Tyr]PRCGKSVYAA